The following is an entry in ClinVar:

ClinVar aggregate classification (germline): Pathogenic. Review status: reviewed by expert panel (3 of 4 stars). 3 submissions from 3 submitters: Pathogenic (1). 2 of the submissions do not count toward it. Last evaluated 2016-09-08.

Conditions:
Hereditary cancer-predisposing syndrome. Also called: Hereditary Cancer Syndrome; Hereditary neoplastic syndrome; Tumor predisposition; Neoplastic Syndromes, Hereditary. Identifiers: Orphanet 140162, MedGen C0027672, MeSH D009386, MONDO:0015356.
Breast-ovarian cancer, familial, susceptibility to, 1 (BROVCA1). Also called: OVARIAN CANCER, SUSCEPTIBILITY TO; BRCA1 Hereditary Breast and Ovarian Cancer. Identifiers: Orphanet 145, MedGen C2676676, MONDO:0011450, OMIM 604370. Disease mechanism: loss of function.

Submissions (3):

Evidence-based Network for the Interpretation of Germline Mutant Alleles (ENIGMA)
Classification: Pathogenic for Breast-ovarian cancer, familial, susceptibility to, 1. Last evaluated: 2016-09-08. Review status: reviewed by expert panel. Criteria: ENIGMA BRCA1/2 Classification Criteria (2015). Collection method: curation. Allele origin: germline.
Comment: Variant allele predicted to encode a truncated non-functional protein.

Ambry Genetics
Classification: Pathogenic for Hereditary cancer-predisposing syndrome. Last evaluated: 2023-12-05. Review status: criteria provided, single submitter. Criteria: Ambry Variant Classification Scheme 2023. Collection method: clinical testing. Allele origin: germline. Not counted in ClinVar's aggregate classification.
Comment: The c.2654dupT pathogenic mutation, located in coding exon 9 of the BRCA1 gene, results from a duplication of T at nucleotide position 2654, causing a translational frameshift with a predicted alternate stop codon (p.S886Lfs*17). This variant is considered to be rare based on population cohorts in the Genome Aggregation Database (gnomAD). This alteration is expected to result in loss of function by premature protein truncation or nonsense-mediated mRNA decay. As such, this alteration is interpreted as a disease-causing mutation.

Color Diagnostics, LLC DBA Color Health
Classification: Pathogenic for Hereditary cancer-predisposing syndrome. Last evaluated: 2021-04-23. Review status: criteria provided, single submitter. Criteria: ACMG Guidelines, 2015. Collection method: clinical testing. Allele origin: germline. Not counted in ClinVar's aggregate classification.
Comment: This variant inserts 1 nucleotide in exon 10 of the BRCA1 gene, creating a frameshift and premature translation stop signal. This variant is expected to result in an absent or non-functional protein product. To our knowledge, this variant has not been reported in individuals affected with hereditary cancer in the literature. This variant has not been identified in the general population by the Genome Aggregation Database (gnomAD). Loss of BRCA1 function is a known mechanism of disease. Based on the available evidence, this variant is classified as Pathogenic.

NM_007294.4(BRCA1):c.2654dup (p.Ser886fs)

Gene: BRCA1 (BRCA1 DNA repair associated; minus strand). Cytogenetic location: 17q21.31.
Variant type: Duplication.
Coding change: c.2654dup on transcript NM_007294.4 (MANE Select); coding-DNA position 2654, one base duplicated (T; older notation c.2654dupT).
Protein change: p.Ser886fs; shifts the reading frame from serine 886.
Molecular consequence: frameshift variant. On other transcripts: intron variant (137).
Genome position (GRCh38, 1-based): chr17:43,092,877, A duplicated on the plus strand (T on the coding strand, the reverse complement: BRCA1 is on the minus strand); the first of 2 consecutive A bases (chr17:43,092,877-43,092,878); duplicating either gives the same sequence. VCF-style (leftmost placement, unchanged base first): chr17-43092876-G-GA. GRCh37 (hg19) VCF-style: chr17-41244893-G-GA.
Other names: c.2654dupT (NM_007294.3); c.2654dup (NM_007294.3); c.671-1845dup (NM_001408419.1, NM_001408422.1, NM_001408418.1 and 2 more transcripts); c.788-1845dup (NM_001408403.1, NM_001407983.1, NM_001407975.1 and 17 more transcripts); c.791-1854dup (NM_001408406.1); c.647-1845dup (NM_001408456.1, NM_001408410.1, NM_001408458.1 and 11 more transcripts); c.644-1845dup (NM_001408465.1, NM_001408463.1, NM_001408462.1 and 3 more transcripts); c.578-1845dup (NM_001408482.1, NM_001408484.1, NM_001408478.1 and 9 more transcripts); and 43 more; short protein forms S839fs, S886fs, S758fs, S774fs, S797fs, S860fs, S590fs, S759fs.
Identifiers: ClinVar variation 187257 (VCV000187257.9), dbSNP rs398122663, ClinGen allele CA197167.